The following is an entry in ClinVar:

NM_016343.4(CENPF):c.6726A>T (p.Glu2242Asp)

Gene: CENPF (centromere protein F; plus strand). Cytogenetic location: 1q41.
Variant type: single nucleotide variant.
Coding change: c.6726A>T on transcript NM_016343.4 (MANE Select); coding-DNA position 6726, A replaced by T.
Protein change: p.Glu2242Asp; replaces glutamic acid 2242 with aspartic acid.
Molecular consequence: missense variant.
Genome position (GRCh38, 1-based): chr1:214,646,296, A>T. VCF-style: chr1-214646296-A-T. GRCh37 (hg19) VCF-style: chr1-214819639-A-T.
Other names: short protein forms E2242D.
Identifiers: ClinVar variation 4701822 (VCV004701822.1).

ClinVar aggregate classification (germline): Uncertain significance (1 of 4 stars; one submission).

gnomAD v4.1: 39 of 1,614,030 alleles (0.0024%); highest among the groups gnomAD compares: Middle Eastern, 0.26%; 1 homozygote.

Submission:

Labcorp Genetics (formerly Invitae), Labcorp
Classification: Uncertain significance. Last evaluated: 2025-11-22. Review status: criteria provided, single submitter. Criteria: Invitae Variant Classification Sherloc (09022015). Collection method: clinical testing. Allele origin: germline.
Comment: This sequence change replaces glutamic acid, which is acidic and polar, with aspartic acid, which is acidic and polar, at codon 2242 of the CENPF protein (p.Glu2242Asp). This variant is present in population databases (rs748794944, gnomAD 0.06%), including at least one homozygous and/or hemizygous individual. This variant has not been reported in the literature in individuals affected with CENPF-related conditions. An algorithm developed to predict the effect of missense changes on protein structure and function (PolyPhen-2) suggests that this variant is likely to be tolerated. In summary, the available evidence is currently insufficient to determine the role of this variant in disease. Therefore, it has been classified as a Variant of Uncertain Significance.